The following is an entry in ClinVar:

NM_024312.5(GNPTAB):c.2541_2544del (p.Glu849fs)

Gene: GNPTAB (N-acetylglucosamine-1-phosphate transferase subunits alpha and beta; minus strand). Cytogenetic location: 12q23.2.
Variant type: Deletion.
Coding change: c.2541_2544del on transcript NM_024312.5 (MANE Select); coding-DNA positions 2541 to 2544, 4 bases deleted (AAAA; older notation c.2541_2544delAAAA).
Protein change: p.Glu849fs; shifts the reading frame from glutamic acid 849.
Molecular consequence: frameshift variant.
Genome position (GRCh38, 1-based): chr12:101,764,373-101,764,376, TTTT deleted on the plus strand (AAAA on the coding strand, the reverse complement: GNPTAB is on the minus strand). VCF-style (leftmost placement, unchanged base first): chr12-101764372-CTTTT-C. GRCh37 (hg19) VCF-style: chr12-102158150-CTTTT-C.
Other names: short protein forms E849fs.
Identifiers: ClinVar variation 2100683 (VCV002100683.4), dbSNP rs2547956692, ClinGen allele CA2580085637.
Genomic context (GRCh38, chr12:101,764,372, plus strand): 5'-GATTTTCAGCATTTTCCTCCATTCTACTGTTCTCTTTTTCTTTCCCTGTGATTTTCTTTT[CTTTT>C]GTCATCTGGCTTTCCAGTGGAACAATCAGAGATGGGGGCTTTTCTTTTGTCACATTTCCG-3'

ClinVar aggregate classification (germline): Pathogenic (1 of 4 stars; one submission).

Conditions:
Mucolipidosis type II. Also called: Mucolipidosis 2; ML 2; Inclusion cell disease; Leroy Disease; N-acetylglucosamine 1phosphotransferase deficiency; ML disorder type 2. Identifiers: Orphanet 576, MedGen C2673377, MONDO:0009650, OMIM 252500.
Pseudo-Hurler polydystrophy. Also called: ML IIIA; Mucolipidosis III Alpha/Beta; MUCOLIPIDOSIS IIIA; ML III; ML III ALPHA/BETA; Type III Mucolipidosis. Identifiers: Orphanet 423461, Orphanet 577, MedGen C0033788, MONDO:0018931, OMIM 252600.

Submission:

Labcorp Genetics (formerly Invitae), Labcorp
Classification: Pathogenic for Pseudo-Hurler polydystrophy; Mucolipidosis type II. Last evaluated: 2023-07-28. Review status: criteria provided, single submitter. Criteria: Invitae Variant Classification Sherloc (09022015). Collection method: clinical testing. Allele origin: germline.
Comment: This sequence change creates a premature translational stop signal (p.Glu849Argfs*21) in the GNPTAB gene. It is expected to result in an absent or disrupted protein product. Loss-of-function variants in GNPTAB are known to be pathogenic (PMID: 19617216, 25107912). This variant is not present in population databases (gnomAD no frequency). This variant has not been reported in the literature in individuals affected with GNPTAB-related conditions. ClinVar contains an entry for this variant (Variation ID: 2100683). For these reasons, this variant has been classified as Pathogenic.

Literature cited by the submitters: PubMed 19617216; PubMed 25107912.